The following is an entry in ClinVar:

ClinVar aggregate classification (germline): Pathogenic (1 of 4 stars; one submission).

Submission:

Labcorp Genetics (formerly Invitae), Labcorp
Classification: Pathogenic. Last evaluated: 2023-12-21. Review status: criteria provided, single submitter. Criteria: Invitae Variant Classification Sherloc (09022015). Collection method: clinical testing. Allele origin: germline.
Comment: This sequence change creates a premature translational stop signal (p.Asn913Lysfs*38) in the SETBP1 gene. It is expected to result in an absent or disrupted protein product. Loss-of-function variants in SETBP1 are known to be pathogenic (PMID: 21037274, 25217958). This variant is not present in population databases (gnomAD no frequency). This variant has not been reported in the literature in individuals affected with SETBP1-related conditions. For these reasons, this variant has been classified as Pathogenic.

Literature cited by the submitters: PubMed 21037274; PubMed 25217958.

NM_015559.3(SETBP1):c.2738dup (p.Asn913fs)

Gene: SETBP1 (SET binding protein 1; plus strand). Cytogenetic location: 18q12.3.
Variant type: Duplication.
Coding change: c.2738dup on transcript NM_015559.3 (MANE Select); coding-DNA position 2738, one base duplicated (A; older notation c.2738dupA).
Protein change: p.Asn913fs; shifts the reading frame from asparagine 913.
Molecular consequence: frameshift variant.
Genome position (GRCh38, 1-based): chr18:44,952,078, A duplicated; the last of 2 consecutive A bases (chr18:44,952,077-44,952,078); duplicating either gives the same sequence. VCF-style (leftmost placement, unchanged base first): chr18-44952076-G-GA. GRCh37 (hg19) VCF-style: chr18-42532041-G-GA.
Other names: c.2738dup, p.Asn913fs (NM_001379141.1, NM_001379142.1, NM_001410862.1); short protein forms N913fs.
Identifiers: ClinVar variation 2704766 (VCV002704766.3), dbSNP rs2511473025, ClinGen allele CA2697555402.